The following is an entry in ClinVar:

NM_024809.5(TCTN2):c.523T>G (p.Leu175Val)

Gene: TCTN2 (tectonic family member 2; plus strand). Cytogenetic location: 12q24.31.
Variant type: single nucleotide variant.
Coding change: c.523T>G on transcript NM_024809.5 (MANE Select); coding-DNA position 523, T replaced by G.
Protein change: p.Leu175Val; replaces leucine 175 with valine.
Molecular consequence: missense variant.
Genome position (GRCh38, 1-based): chr12:123,679,248, T>G. VCF-style: chr12-123679248-T-G. GRCh37 (hg19) VCF-style: chr12-124163795-T-G.
Other names: c.520T>G, p.Leu174Val (NM_001143850.3); c.523T>G (NM_024809.3); short protein forms L175V, L174V.
Identifiers: ClinVar variation 307546 (VCV000307546.11), dbSNP rs768824874, ClinGen allele CA6860913.

ClinVar aggregate classification (germline): Uncertain significance. Review status: criteria provided, multiple submitters, no conflicts (2 of 4 stars). 4 submissions from 3 submitters: Uncertain significance (4). Last evaluated 2023-10-30.

Conditions:
Inborn genetic diseases. Identifiers: MedGen C0950123, MeSH D030342.
Joubert syndrome 24 (JBTS24). Identifiers: Orphanet 475, MedGen C4084841, MONDO:0014724, OMIM 616654.
Meckel syndrome, type 8. Identifiers: Orphanet 564, MedGen C3836857, MONDO:0013482, OMIM 613885.
Meckel-Gruber syndrome. Also called: Dysencephalia splachnocystica; DYSENCEPHALIA SPLANCHNOCYSTICA; GRUBER SYNDROME. Identifiers: Orphanet 564, MedGen C0265215, MONDO:0018921.
Joubert syndrome. Also called: Familial aplasia of the vermis; CEREBELLOPARENCHYMAL DISORDER IV; JOUBERT-BOLTSHAUSER SYNDROME. Identifiers: Orphanet 475, MedGen C5979921, MONDO:0018772.

Allele frequency attached by ClinVar (database versions not stated): ExAC 0.00002; gnomAD exomes 0.00002; gnomAD 0.00003.

Submissions (4):

Ambry Genetics
Classification: Uncertain significance for Inborn genetic diseases. Last evaluated: 2023-10-30. Review status: criteria provided, single submitter. Criteria: Ambry Variant Classification Scheme 2023. Collection method: clinical testing. Allele origin: germline.

Labcorp Genetics (formerly Invitae), Labcorp
Classification: Uncertain significance for Joubert syndrome; Meckel-Gruber syndrome. Last evaluated: 2022-06-13. Review status: criteria provided, single submitter. Criteria: Invitae Variant Classification Sherloc (09022015). Collection method: clinical testing. Allele origin: germline.
Comment: In summary, the available evidence is currently insufficient to determine the role of this variant in disease. Therefore, it has been classified as a Variant of Uncertain Significance. Algorithms developed to predict the effect of sequence changes on RNA splicing suggest that this variant may create or strengthen a splice site. Algorithms developed to predict the effect of missense changes on protein structure and function are either unavailable or do not agree on the potential impact of this missense change (SIFT: "Deleterious"; PolyPhen-2: "Possibly Damaging"; Align-GVGD: "Class C0"). ClinVar contains an entry for this variant (Variation ID: 307546). This variant has not been reported in the literature in individuals affected with TCTN2-related conditions. This variant is present in population databases (rs768824874, gnomAD 0.01%). This sequence change replaces leucine, which is neutral and non-polar, with valine, which is neutral and non-polar, at codon 175 of the TCTN2 protein (p.Leu175Val).

Illumina Laboratory Services, Illumina
Classification: Uncertain significance for Meckel syndrome, type 8. Last evaluated: 2018-01-13. Review status: criteria provided, single submitter. Criteria: ICSL Variant Classification Criteria 13 December 2019. Collection method: clinical testing. Allele origin: germline.

Illumina Laboratory Services, Illumina
Classification: Uncertain significance for Joubert syndrome 24. Last evaluated: 2018-01-13. Review status: criteria provided, single submitter. Criteria: ICSL Variant Classification Criteria 13 December 2019. Collection method: clinical testing. Allele origin: germline.